The following is an entry in ClinVar:

ClinVar aggregate classification (germline): Uncertain significance (1 of 4 stars; one submission).

Conditions:
Cataract 18 (CATC2). Also called: CATARACT 18, AUTOSOMAL RECESSIVE. Identifiers: Orphanet 91492, Orphanet 98991, Orphanet 98992, Orphanet 98995, MedGen C1864908, MONDO:0012395, OMIM 610019.

Submission:

Labcorp Genetics (formerly Invitae), Labcorp
Classification: Uncertain significance for Cataract 18. Last evaluated: 2023-06-28. Review status: criteria provided, single submitter. Criteria: Invitae Variant Classification Sherloc (09022015). Collection method: clinical testing. Allele origin: germline.
Comment: In summary, the available evidence is currently insufficient to determine the role of this variant in disease. Therefore, it has been classified as a Variant of Uncertain Significance. Experimental studies and prediction algorithms are not available or were not evaluated, and the functional significance of this variant is currently unknown. This variant has not been reported in the literature in individuals affected with FYCO1-related conditions. This variant is not present in population databases (gnomAD no frequency). This variant, c.4179_4181del, results in the deletion of 1 amino acid(s) of the FYCO1 protein (p.Ser1394del), but otherwise preserves the integrity of the reading frame.

NM_024513.4(FYCO1):c.4176CTC[1] (p.Ser1394del)

Gene: FYCO1 (FYVE and coiled-coil domain autophagy adaptor 1; minus strand). Cytogenetic location: 3p21.31.
Variant type: Microsatellite.
Coding change: c.4176CTC[1] on transcript NM_024513.4 (MANE Select); one copy of the 3-base unit CTC starting at c.4176; the reference has two copies in a row; one copy, 3 bases deleted.
Protein change: p.Ser1394del; deletes serine 1394.
Molecular consequence: inframe deletion. On other transcripts: non-coding transcript variant (1).
Genome position (GRCh38, 1-based): chr3:45,931,141-45,931,143, GAG deleted on the plus strand (CTC on the coding strand, the reverse complement: FYCO1 is on the minus strand); deleting any 3 consecutive bases within chr3:45,931,141-45,931,146 gives the same sequence; the position shown is the placement nearest the transcript's 3' end. VCF-style (leftmost placement, unchanged base first): chr3-45931140-AGAG-A. GRCh37 (hg19) VCF-style: chr3-45972632-AGAG-A.
Other names: c.4176CTC[1], p.Ser1394del (NM_001386421.1, NM_001386422.1, NM_001386424.1 and 3 more transcripts); c.4173CTC[1], p.Ser1393del (NM_001386423.1); c.4056CTC[1], p.Ser1354del (NM_001386426.1); c.4032CTC[1], p.Ser1346del (NM_001386427.1); c.3576CTC[1], p.Ser1194del (NM_001386430.1); short protein forms S1354del, S1194del, S1394del, S1346del, S1393del.
Identifiers: ClinVar variation 2850880 (VCV002850880.3), dbSNP rs1175761065, ClinGen allele CA907528905.